The following is an entry in ClinVar:

ClinVar aggregate classification (germline): Uncertain significance (1 of 4 stars; one submission).

Conditions:
Hereditary breast ovarian cancer syndrome. Also called: Hereditary breast and ovarian cancer syndrome; Hereditary breast and ovarian cancer syndrome (HBOC); BRCA1- and BRCA2-Associated Hereditary Breast and Ovarian Cancer; Hereditary breast and ovarian cancer; Breast and ovarian cancer; Hereditary breast and/or ovarian cancer syndrome. Identifiers: Orphanet 145, MedGen C0677776, MeSH D061325, MONDO:0003582. Disease mechanism: loss of function.

gnomAD v4.1: 4 of 1,613,986 alleles (0.00025%); highest among the groups gnomAD compares: South Asian, 0.0033%; no homozygotes.

Submission:

Labcorp Genetics (formerly Invitae), Labcorp
Classification: Uncertain significance for Hereditary breast ovarian cancer syndrome. Last evaluated: 2024-07-03. Review status: criteria provided, single submitter. Criteria: Invitae Variant Classification Sherloc (09022015). Collection method: clinical testing. Allele origin: germline.
Comment: This sequence change replaces glutamic acid, which is acidic and polar, with glutamine, which is neutral and polar, at codon 404 of the BRCA1 protein (p.Glu404Gln). This variant is not present in population databases (gnomAD no frequency). This variant has not been reported in the literature in individuals affected with BRCA1-related conditions. Advanced modeling of protein sequence and biophysical properties (such as structural, functional, and spatial information, amino acid conservation, physicochemical variation, residue mobility, and thermodynamic stability) performed at Invitae indicates that this missense variant is not expected to disrupt BRCA1 protein function with a negative predictive value of 95%. In summary, the available evidence is currently insufficient to determine the role of this variant in disease. Therefore, it has been classified as a Variant of Uncertain Significance.

NM_007294.4(BRCA1):c.1210G>C (p.Glu404Gln)

Gene: BRCA1 (BRCA1 DNA repair associated; minus strand). Cytogenetic location: 17q21.31.
Variant type: single nucleotide variant.
Coding change: c.1210G>C on transcript NM_007294.4 (MANE Select); coding-DNA position 1210, G replaced by C.
Protein change: p.Glu404Gln; replaces glutamic acid 404 with glutamine.
Molecular consequence: missense variant. On other transcripts: intron variant (137).
Genome position (GRCh38, 1-based): chr17:43,094,321, C>G on the plus strand (G>C on the coding strand, the complement: BRCA1 is on the minus strand). VCF-style: chr17-43094321-C-G. GRCh37 (hg19) VCF-style: chr17-41246338-C-G.
Other names: c.1207G>C, p.Glu403Gln (NM_001407630.1, NM_001407631.1, NM_001407632.1 and 22 more transcripts); c.1210G>C, p.Glu404Gln (NM_001407639.1, NM_001407640.1, NM_001407641.1 and 30 more transcripts); c.1201G>C, p.Glu401Gln (NM_001407646.1, NM_001407647.1); c.1132G>C, p.Glu378Gln (NM_001407655.1, NM_001407656.1, NM_001407653.1 and 4 more transcripts); c.1087G>C, p.Glu363Gln (NM_001407648.1, NM_001407664.1, NM_001407665.1 and 19 more transcripts); c.1084G>C, p.Glu362Gln (NM_001407649.1, NM_001407670.1, NM_001407671.1 and 11 more transcripts); c.997G>C, p.Glu333Gln (NM_001407571.1, NM_001407853.1, NM_001407894.1 and 9 more transcripts); c.1129G>C, p.Glu377Gln (NM_001407659.1, NM_001407660.1, NM_001407661.1 and 1 more transcripts); and 40 more; short protein forms E277Q, E293Q, E362Q, E363Q, E276Q, E292Q, E356Q, E377Q.
Identifiers: ClinVar variation 3632472 (VCV003632472.2).
Genomic context (GRCh38, chr17:43,094,321, plus strand): 5'-CAGAATATTCATCTACCTCATTTAGAACGTCCAATACATCAGCTACTTTGGCATTTGATT[C>G]AGACTCCCCATCATGTGAGTCATCAGAACCTAACAGTTCATCACTTCTGGAAAACCACTC-3'
Protein context (NP_009225.1, residues 394-414): GSDDSHDGES[Glu404Gln]SNAKVADVLD